The following is an entry in ClinVar:

ClinVar aggregate classification (germline): Pathogenic (1 of 4 stars; one submission).

Conditions:
Multiple endocrine neoplasia, type 1 (MEN1). Also called: MEN I; WERMER SYNDROME; Endocrine adenomatosis multiple; MEN 1; MEA I. Identifiers: Orphanet 652, MedGen C0025267, MeSH D018761, MONDO:0007540, OMIM 131100.

Submission:

Labcorp Genetics (formerly Invitae), Labcorp
Classification: Pathogenic for Multiple endocrine neoplasia, type 1. Last evaluated: 2024-04-01. Review status: criteria provided, single submitter. Criteria: Invitae Variant Classification Sherloc (09022015). Collection method: clinical testing. Allele origin: germline.
Comment: This sequence change affects a donor splice site in intron 9 of the MEN1 gene. RNA analysis indicates that disruption of this splice site induces altered splicing and likely disrupts the C-terminus of the protein. This variant is not present in population databases (gnomAD no frequency). Disruption of this splice site has been observed in individual(s) with hyperparathyroidism and/or multiple endocrine neoplasia type 1 (PMID: 15292357, 29416715). Variants that disrupt the consensus splice site are a relatively common cause of aberrant splicing (PMID: 17576681, 9536098). Studies have shown that disruption of this splice site results in retention of intron 9 which introduces a premature stop codon and introduces a new termination codon (PMID: 29416715). However the mRNA is not expected to undergo nonsense-mediated decay. This variant disrupts a region of the MEN1 protein in which other variant(s) (p.Ser555Asn) have been determined to be pathogenic (PMID: 9683585, 15254225, 21819486). This suggests that this is a clinically significant region of the protein, and that variants that disrupt it are likely to be disease-causing. For these reasons, this variant has been classified as Pathogenic.

Literature cited by the submitters: PubMed 15292357; PubMed 29416715; PubMed 17576681; PubMed 9536098; PubMed 9683585; PubMed 15254225; PubMed 21819486.

NM_001370259.2(MEN1):c.1350+1G>T

Gene: MEN1 (menin 1; minus strand). Cytogenetic location: 11q13.1.
Variant type: single nucleotide variant.
Coding change: c.1350+1G>T on transcript NM_001370259.2 (MANE Select); the canonical splice donor site of the intron after coding-DNA position 1350, G replaced by T.
Molecular consequence: splice donor variant. On other transcripts: intron variant (1).
Genome position (GRCh38, 1-based): chr11:64,805,033, C>A on the plus strand (G>T on the coding strand, the complement: MEN1 is on the minus strand). VCF-style: chr11-64805033-C-A. GRCh37 (hg19) VCF-style: chr11-64572505-C-A.
Other names: c.1365+1G>T (NM_130804.3, NM_130803.3, NM_000244.4 and 4 more transcripts); c.1245+1G>T (NM_001407148.1, NM_001407149.1, NM_001370263.2 and 1 more transcripts); c.1350+1G>T (NM_130799.3, NM_001370260.2, NM_001407146.1 and 2 more transcripts); c.1476+1G>T (NM_001407144.1, NM_001370251.2, NM_001407142.1 and 1 more transcripts); c.1371+1G>T (NM_001407151.1); c.1186-217G>T (NM_001407152.1); c.1491+1G>T (NM_001407150.1).
Identifiers: ClinVar variation 3648290 (VCV003648290.2).
Genomic context (GRCh38, chr11:64,805,033, plus strand): 5'-ACAAGCCCGTGGCTGCTGTCACCACCTGTAGTGCCCAGACCTCTGTGCAGCTGTCCCTCA[C>A]CTGTCCCTCAAAACGGCCTAGGGACTGCACAAGAAAGGTGGCCCAGCCCACATGCAGCAC-3'